The following is an entry in ClinVar:

NM_015192.4(PLCB1):c.3370C>T (p.Leu1124Phe)

Gene: PLCB1 (phospholipase C beta 1; plus strand). Cytogenetic location: 20p12.3.
Variant type: single nucleotide variant.
Coding change: c.3370C>T on transcript NM_015192.4 (MANE Select); coding-DNA position 3370, C replaced by T.
Protein change: p.Leu1124Phe; replaces leucine 1124 with phenylalanine.
Molecular consequence: missense variant.
Genome position (GRCh38, 1-based): chr20:8,790,208, C>T. VCF-style: chr20-8790208-C-T. GRCh37 (hg19) VCF-style: chr20-8770855-C-T.
Other names: c.3370C>T, p.Leu1124Phe (NM_182734.3); short protein forms L1124F.
Identifiers: ClinVar variation 861132 (VCV000861132.12), dbSNP rs1983685665, ClinGen allele CA408210083.

ClinVar aggregate classification (germline): Uncertain significance (1 of 4 stars; one submission).

Conditions:
Developmental and epileptic encephalopathy, 12 (DEE12). Identifiers: MedGen C3150988, MONDO:0013389, OMIM 613722.

Submission:

Labcorp Genetics (formerly Invitae), Labcorp
Classification: Uncertain significance for Developmental and epileptic encephalopathy, 12. Last evaluated: 2019-12-30. Review status: criteria provided, single submitter. Criteria: Invitae Variant Classification Sherloc (09022015). Collection method: clinical testing. Allele origin: germline.
Comment: In summary, the available evidence is currently insufficient to determine the role of this variant in disease. Therefore, it has been classified as a Variant of Uncertain Significance. Algorithms developed to predict the effect of missense changes on protein structure and function are either unavailable or do not agree on the potential impact of this missense change (SIFT: "Deleterious"; PolyPhen-2: "Probably Damaging"; Align-GVGD: "Class C0"). This variant has not been reported in the literature in individuals with PLCB1-related conditions. This variant is not present in population databases (ExAC no frequency). This sequence change replaces leucine with phenylalanine at codon 1124 of the PLCB1 protein (p.Leu1124Phe). The leucine residue is moderately conserved and there is a small physicochemical difference between leucine and phenylalanine.